The following is an entry in ClinVar:

ClinVar aggregate classification (germline): Uncertain significance. Review status: criteria provided, single submitter (1 of 4 stars). 2 submissions from 2 submitters: Uncertain significance (1). 1 of the submissions does not count toward it. Last evaluated 2022-07-14.

Conditions:
Maple syrup urine disease (MSUD). Identifiers: Orphanet 511, MedGen C0024776, MeSH D008375, MONDO:0009563. Disease mechanism: loss of function.
Maple syrup urine disease type 1B (MSUD1B). Also called: MSUD type IB; MSUD type 3 (formerly); MSUD due to deficiency of e1-beta subunit of branched-chain alpha-keto acid dehydrogenase complex. Identifiers: MedGen C2930990, MONDO:0023692, OMIM 620698.

Allele frequency attached by ClinVar (database versions not stated): gnomAD exomes below 0.00001 and 0.00002; gnomAD 0.00002; ExAC 0.00003; TOPMed 0.00003.
gnomAD v4.1: 31 of 1,596,742 alleles (0.0019%); highest among the groups gnomAD compares: Non-Finnish European, 0.0025%; no homozygotes.

Submissions (2):

Labcorp Genetics (formerly Invitae), Labcorp
Classification: Uncertain significance for Maple syrup urine disease. Last evaluated: 2022-07-14. Review status: criteria provided, single submitter. Criteria: Invitae Variant Classification Sherloc (09022015). Collection method: clinical testing. Allele origin: germline.
Comment: This sequence change replaces leucine, which is neutral and non-polar, with proline, which is neutral and non-polar, at codon 31 of the BCKDHB protein (p.Leu31Pro). This variant is present in population databases (rs763434607, gnomAD 0.002%). This variant has not been reported in the literature in individuals affected with BCKDHB-related conditions. ClinVar contains an entry for this variant (Variation ID: 938174). Algorithms developed to predict the effect of missense changes on protein structure and function output the following: SIFT: "Tolerated"; PolyPhen-2: "Benign"; Align-GVGD: "Class C0". The proline amino acid residue is found in multiple mammalian species, which suggests that this missense change does not adversely affect protein function. In summary, the available evidence is currently insufficient to determine the role of this variant in disease. Therefore, it has been classified as a Variant of Uncertain Significance.

Natera, Inc.
Classification: Uncertain significance for Maple syrup urine disease type 1B. Last evaluated: 2020-08-12. Review status: no assertion criteria provided. Collection method: clinical testing. Allele origin: germline. Not counted in ClinVar's aggregate classification.

NM_183050.4(BCKDHB):c.92T>C (p.Leu31Pro)

Gene: BCKDHB (branched chain keto acid dehydrogenase E1 subunit beta; plus strand). Cytogenetic location: 6q14.1.
Variant type: single nucleotide variant.
Coding change: c.92T>C on transcript NM_183050.4 (MANE Select); coding-DNA position 92, T replaced by C.
Protein change: p.Leu31Pro; replaces leucine 31 with proline.
Molecular consequence: missense variant. On other transcripts: non-coding transcript variant (1), intron variant (1).
Genome position (GRCh38, 1-based): chr6:80,106,785, T>C. VCF-style: chr6-80106785-T-C. GRCh37 (hg19) VCF-style: chr6-80816502-T-C.
Other names: c.92T>C, p.Leu31Pro (NM_000056.5); c.-15+102T>C (NM_001318975.1); short protein forms L31P.
Identifiers: ClinVar variation 938174 (VCV000938174.7), dbSNP rs763434607, ClinGen allele CA3902497.